The following is an entry in ClinVar:

ClinVar aggregate classification (germline): Uncertain significance (1 of 4 stars; one submission).

Conditions:
Immunodeficiency 67. Also called: Immunodeficiency due to interleukin-1 receptor-associated kinase-4 deficiency. Identifiers: Orphanet 70592, MedGen C1843256, MONDO:0011888, OMIM 607676.

Allele frequency attached by ClinVar (database versions not stated): gnomAD 0.00001 and 0.00002; gnomAD exomes 0.00001 and 0.00003; ExAC 0.00003; TOPMed 0.00003; 1000 Genomes Project 30x 0.00016; 1000 Genomes Project 0.00020.
gnomAD v4.1: 13 of 1,611,368 alleles (0.00081%); highest among the groups gnomAD compares: Admixed American, 0.0083%; no homozygotes.

Submission:

Labcorp Genetics (formerly Invitae), Labcorp
Classification: Uncertain significance for Immunodeficiency 67. Last evaluated: 2022-05-13. Review status: criteria provided, single submitter. Criteria: Invitae Variant Classification Sherloc (09022015). Collection method: clinical testing. Allele origin: germline.
Comment: This sequence change replaces asparagine, which is neutral and polar, with aspartic acid, which is acidic and polar, at codon 297 of the IRAK4 protein (p.Asn297Asp). This variant is present in population databases (rs556565376, gnomAD 0.02%). This variant has not been reported in the literature in individuals affected with IRAK4-related conditions. Advanced modeling of protein sequence and biophysical properties (such as structural, functional, and spatial information, amino acid conservation, physicochemical variation, residue mobility, and thermodynamic stability) performed at Invitae indicates that this missense variant is expected to disrupt IRAK4 protein function. In summary, the available evidence is currently insufficient to determine the role of this variant in disease. Therefore, it has been classified as a Variant of Uncertain Significance.

NM_016123.4(IRAK4):c.889A>G (p.Asn297Asp)

Gene: IRAK4 (interleukin 1 receptor associated kinase 4; plus strand). Cytogenetic location: 12q12.
Variant type: single nucleotide variant.
Coding change: c.889A>G on transcript NM_016123.4 (MANE Select); coding-DNA position 889, A replaced by G.
Protein change: p.Asn297Asp; replaces asparagine 297 with aspartic acid.
Molecular consequence: missense variant.
Genome position (GRCh38, 1-based): chr12:43,778,250, A>G. VCF-style: chr12-43778250-A-G. GRCh37 (hg19) VCF-style: chr12-44172053-A-G.
Other names: c.889A>G, p.Asn297Asp (NM_001114182.3, NM_001351345.2); c.517A>G, p.Asn173Asp (NM_001145256.2, NM_001145257.2, NM_001145258.2 and 5 more transcripts); c.280A>G, p.Asn94Asp (NM_001351343.2, NM_001351344.2); short protein forms N297D, N94D, N173D.
Identifiers: ClinVar variation 1522443 (VCV001522443.3), dbSNP rs556565376, ClinGen allele CA6522521.